The following is an entry in ClinVar:

NM_001261826.3(AP3D1):c.2578AAG[2] (p.Lys862del)

Gene: AP3D1 (adaptor related protein complex 3 subunit delta 1; minus strand). Cytogenetic location: 19p13.3.
Variant type: Microsatellite.
Coding change: c.2578AAG[2] on transcript NM_001261826.3 (MANE Select); two copies in a row of the 3-base unit AAG starting at c.2578; the reference has three copies in a row; one copy, 3 bases deleted.
Protein change: p.Lys862del; deletes lysine 862.
Molecular consequence: inframe deletion.
Genome position (GRCh38, 1-based): chr19:2,114,140-2,114,142, CTT deleted on the plus strand (AAG on the coding strand, the reverse complement: AP3D1 is on the minus strand); deleting any 3 consecutive bases within chr19:2,114,140-2,114,150 gives the same sequence; the position shown is the placement nearest the transcript's 3' end. VCF-style (leftmost placement, unchanged base first): chr19-2114139-CCTT-C. GRCh37 (hg19) VCF-style: chr19-2114138-CCTT-C.
Other names: c.2578AAG[2], p.Lys862del (NM_001374799.1, NM_003938.8); short protein forms K862del.
Identifiers: ClinVar variation 2155183 (VCV002155183.4), dbSNP rs1325272641, ClinGen allele CA631305103.

ClinVar aggregate classification (germline): Uncertain significance (1 of 4 stars; one submission).

Submission:

Labcorp Genetics (formerly Invitae), Labcorp
Classification: Uncertain significance. Last evaluated: 2024-06-20. Review status: criteria provided, single submitter. Criteria: Invitae Variant Classification Sherloc (09022015). Collection method: clinical testing. Allele origin: germline.
Comment: This variant, c.2584_2586del, results in the deletion of 1 amino acid(s) of the AP3D1 protein (p.Lys862del), but otherwise preserves the integrity of the reading frame. The frequency data for this variant in the population databases is considered unreliable, as metrics indicate poor data quality at this position in the gnomAD database. This variant has not been reported in the literature in individuals affected with AP3D1-related conditions. Experimental studies and prediction algorithms are not available or were not evaluated, and the functional significance of this variant is currently unknown. In summary, the available evidence is currently insufficient to determine the role of this variant in disease. Therefore, it has been classified as a Variant of Uncertain Significance.